The following is an entry in ClinVar:

NM_001277115.2(DNAH11):c.12247del (p.Ser4083fs)

Gene: DNAH11 (dynein axonemal heavy chain 11; plus strand). Cytogenetic location: 7p15.3.
Variant type: Deletion.
Coding change: c.12247del on transcript NM_001277115.2 (MANE Select); coding-DNA position 12247, one base deleted (T; older notation c.12247delT).
Protein change: p.Ser4083fs; shifts the reading frame from serine 4083.
Molecular consequence: frameshift variant.
Genome position (GRCh38, 1-based): chr7:21,880,753, T deleted; the last of 6 consecutive T bases (chr7:21,880,748-21,880,753); deleting any one gives the same sequence. VCF-style (leftmost placement, unchanged base first): chr7-21880747-CT-C. GRCh37 (hg19) VCF-style: chr7-21920365-CT-C.
Other names: short protein forms S4083fs.
Identifiers: ClinVar variation 4280133 (VCV004280133.1).
Genomic context (GRCh38, chr7:21,880,747, plus strand): 5'-TCTCTTTTTTCCCAGGATACACTTGAAATATGCTCCAAGGAGCAGGAGTTTAAAAGCATC[CT>C]TTTTTCTCTCTGCTACTTCCACGCCTGTGTTGCTGGGAGACTGAGGTTTGGCCCCCAGGG-3'

ClinVar aggregate classification (germline): Likely pathogenic (1 of 4 stars; one submission).

Conditions:
Ciliary dyskinesia, primary, 37 (CILD37). Also called: CILIARY DYSKINESIA, PRIMARY, 37, WITH OR WITHOUT SITUS INVERSUS. Identifiers: MedGen C4539798, MONDO:0033204, OMIM 617577.

Submission:

Johns Hopkins Genomics, Johns Hopkins University
Classification: Likely pathogenic for Ciliary dyskinesia, primary, 37. Last evaluated: 2025-02-03. Review status: criteria provided, single submitter. Criteria: ACMG Guidelines, 2015. Collection method: clinical testing. Allele origin: germline.
Comment: This DNAH11 frameshift variant (rs1583806885) is rare (<0.1%) in a large population dataset (gnomADv4.1.0: 1/1613808 total alleles; 0.000062%; no homozygotes). It has not been reported in ClinVar nor in the literature in individuals with primary ciliary dyskinesia 7, to our knowledge. This variant results in a premature stop codon in exon 75 of 82 likely leading to nonsense-mediated decay and lack of protein production. We consider DNAH11 c.12247del to be likely pathogenic.